The following is an entry in ClinVar:

ClinVar aggregate classification (germline): Conflicting classifications of pathogenicity. Review status: criteria provided, conflicting classifications (1 of 4 stars). 2 submissions from 2 submitters: Uncertain significance (1); Likely benign (1). Last evaluated 2024-07-19.

gnomAD v4.1: 10 of 1,206,968 alleles (0.00083%); highest among the groups gnomAD compares: East Asian, 0.027%; no homozygotes.

Submissions (2):

Labcorp Genetics (formerly Invitae), Labcorp
Classification: Uncertain significance. Last evaluated: 2024-07-19. Review status: criteria provided, single submitter. Criteria: Invitae Variant Classification Sherloc (09022015). Collection method: clinical testing. Allele origin: germline.
Comment: This sequence change replaces alanine, which is neutral and non-polar, with serine, which is neutral and polar, at codon 1972 of the CACNA1F protein (p.Ala1972Ser). This variant is present in population databases (rs782049869, gnomAD 0.05%). This variant has not been reported in the literature in individuals affected with CACNA1F-related conditions. An algorithm developed to predict the effect of missense changes on protein structure and function (PolyPhen-2) suggests that this variant is likely to be disruptive. In summary, the available evidence is currently insufficient to determine the role of this variant in disease. Therefore, it has been classified as a Variant of Uncertain Significance.

Blueprint Genetics
Classification: Likely benign. Last evaluated: 2024-04-02. Review status: criteria provided, single submitter. Criteria: ACMG Guidelines, 2015. Collection method: clinical testing. Allele origin: germline.

NM_001256789.3(CACNA1F):c.5881G>T (p.Ala1961Ser)

Gene: CACNA1F (calcium voltage-gated channel subunit alpha1 F; minus strand). Cytogenetic location: Xp11.23.
Variant type: single nucleotide variant.
Coding change: c.5881G>T on transcript NM_001256789.3 (MANE Select); coding-DNA position 5881, G replaced by T.
Protein change: p.Ala1961Ser; replaces alanine 1961 with serine.
Molecular consequence: missense variant.
Genome position (GRCh38, 1-based): chrX:49,205,157, C>A on the plus strand (G>T on the coding strand, the complement: CACNA1F is on the minus strand). VCF-style: chrX-49205157-C-A. GRCh37 (hg19) VCF-style: chrX-49061617-C-A.
Other names: c.5719G>T, p.Ala1907Ser (NM_001256790.3); c.5914G>T, p.Ala1972Ser (NM_005183.4); short protein forms A1907S, A1961S, A1972S.
Identifiers: ClinVar variation 3611054 (VCV003611054.3).
Genomic context (GRCh38, chrX:49,205,157, plus strand): 5'-GGGCAGGAGGTTTATTGAGCAGTTGGGGAGGGGTGGGAATTCAGAGGGCGTGGACGCAGG[C>A]CATCTCGTCTCCCAAGTCCTCCTCATCGAAGCGGGAGAGGATGGACTCCTCGTCGCTATA-3'
Protein context (NP_001243718.1, residues 1951-1966): FDEEDLGDEM[Ala1961Ser]CVHAL